The following is an entry in ClinVar:

NM_014425.5(INVS):c.3184A>G (p.Lys1062Glu)

Gene: INVS (inversin; plus strand). Cytogenetic location: 9q31.1.
Variant type: single nucleotide variant.
Coding change: c.3184A>G on transcript NM_014425.5 (MANE Select); coding-DNA position 3184, A replaced by G.
Protein change: p.Lys1062Glu; replaces lysine 1062 with glutamic acid.
Molecular consequence: missense variant. On other transcripts: non-coding transcript variant (1).
Genome position (GRCh38, 1-based): chr9:100,300,660, A>G. VCF-style: chr9-100300660-A-G. GRCh37 (hg19) VCF-style: chr9-103062942-A-G.
Other names: c.2896A>G, p.Lys966Glu (NM_001318381.2); c.2206A>G, p.Lys736Glu (NM_001318382.2); short protein forms K1062E, K736E, K966E.
Identifiers: ClinVar variation 1508266 (VCV001508266.5), dbSNP rs750609488, ClinGen allele CA5158841.

ClinVar aggregate classification (germline): Uncertain significance (1 of 4 stars; one submission).

Conditions:
Nephronophthisis. Also called: Juvenile Nephronophthisis. Identifiers: Orphanet 655, MedGen C0687120, MONDO:0019005, HP:0000090.

Allele frequency attached by ClinVar (database versions not stated): gnomAD exomes below 0.00001 and 0.00001; ExAC 0.00001.
gnomAD v4.1: 2 of 1,612,404 alleles (0.00012%); highest among the groups gnomAD compares: East Asian, 0.0022%; no homozygotes.

Submission:

Labcorp Genetics (formerly Invitae), Labcorp
Classification: Uncertain significance for Nephronophthisis. Last evaluated: 2022-07-12. Review status: criteria provided, single submitter. Criteria: Invitae Variant Classification Sherloc (09022015). Collection method: clinical testing. Allele origin: germline.
Comment: This sequence change replaces lysine, which is basic and polar, with glutamic acid, which is acidic and polar, at codon 1062 of the INVS protein (p.Lys1062Glu). This variant is present in population databases (rs750609488, gnomAD 0.006%). This variant has not been reported in the literature in individuals affected with INVS-related conditions. ClinVar contains an entry for this variant (Variation ID: 1508266). Algorithms developed to predict the effect of missense changes on protein structure and function are either unavailable or do not agree on the potential impact of this missense change (SIFT: "Deleterious"; PolyPhen-2: "Benign"; Align-GVGD: "Class C0"). In summary, the available evidence is currently insufficient to determine the role of this variant in disease. Therefore, it has been classified as a Variant of Uncertain Significance.